The following is an entry in ClinVar:

ClinVar aggregate classification (germline): Uncertain significance (1 of 4 stars; one submission).

Submission:

Labcorp Genetics (formerly Invitae), Labcorp
Classification: Uncertain significance. Last evaluated: 2022-04-06. Review status: criteria provided, single submitter. Criteria: Invitae Variant Classification Sherloc (09022015). Collection method: clinical testing. Allele origin: germline.
Comment: A copy number gain of the genomic region encompassing the full coding sequence of the CACNA1D gene has been identified. The boundaries of this event are unknown as they extend beyond the assayed region for this gene and therefore may encompass additional genes. As the precise location of this event is unknown, it may be in tandem or it may be located elsewhere in the genome. This variant has not been reported in the literature in individuals affected with CACNA1D-related conditions. In summary, the available evidence is currently insufficient to determine the role of this variant in disease. Therefore, it has been classified as a Variant of Uncertain Significance.

NC_000003.11:g.(?_53529194)_(53845433_?)dup

Gene: CACNA1D (calcium voltage-gated channel subunit alpha1 D; plus strand). Cytogenetic location: 3p21.1.
Variant type: Duplication.
Identifiers: ClinVar variation 2423377 (VCV002423377.3).